The following is an entry in ClinVar:

ClinVar aggregate classification (germline): Uncertain significance (1 of 4 stars; one submission).

gnomAD v4.1: 4 of 1,613,346 alleles (0.00025%); highest among the groups gnomAD compares: Admixed American, 0.0067%; no homozygotes.

Submission:

Labcorp Genetics (formerly Invitae), Labcorp
Classification: Uncertain significance. Last evaluated: 2024-02-24. Review status: criteria provided, single submitter. Criteria: Invitae Variant Classification Sherloc (09022015). Collection method: clinical testing. Allele origin: germline.
Comment: This sequence change replaces glycine, which is neutral and non-polar, with cysteine, which is neutral and slightly polar, at codon 230 of the RNF213 protein (p.Gly230Cys). This variant is present in population databases (no rsID available, gnomAD 0.01%). This variant has not been reported in the literature in individuals affected with RNF213-related conditions. Advanced modeling of protein sequence and biophysical properties (such as structural, functional, and spatial information, amino acid conservation, physicochemical variation, residue mobility, and thermodynamic stability) performed at Invitae indicates that this missense variant is not expected to disrupt RNF213 protein function with a negative predictive value of 95%. Algorithms developed to predict the effect of sequence changes on RNA splicing suggest that this variant may create or strengthen a splice site. In summary, the available evidence is currently insufficient to determine the role of this variant in disease. Therefore, it has been classified as a Variant of Uncertain Significance.

NM_001256071.3(RNF213):c.688G>T (p.Gly230Cys)

Gene: RNF213 (ring finger protein 213; plus strand). Cytogenetic location: 17q25.3.
Variant type: single nucleotide variant.
Coding change: c.688G>T on transcript NM_001256071.3 (MANE Select); coding-DNA position 688, G replaced by T.
Protein change: p.Gly230Cys; replaces glycine 230 with cysteine.
Molecular consequence: missense variant.
Genome position (GRCh38, 1-based): chr17:80,288,241, G>T. VCF-style: chr17-80288241-G-T. GRCh37 (hg19) VCF-style: chr17-78262040-G-T.
Other names: c.835G>T, p.Gly279Cys (NM_001410195.1, NM_020914.5); c.688G>T, p.Gly230Cys (NM_020954.4); short protein forms G230C, G279C.
Identifiers: ClinVar variation 3716544 (VCV003716544.2).